The following is an entry in ClinVar:

ClinVar aggregate classification (germline): Pathogenic (1 of 4 stars; one submission).

Conditions:
Gorlin syndrome. Also called: Basal cell nevus syndrome; Nevoid Basal Cell Carcinoma Syndrome. Identifiers: Orphanet 377, MedGen C0004779, MONDO:0007187.

Submission:

Labcorp Genetics (formerly Invitae), Labcorp
Classification: Pathogenic for Gorlin syndrome. Last evaluated: 2019-12-26. Review status: criteria provided, single submitter. Criteria: Invitae Variant Classification Sherloc (09022015). Collection method: clinical testing. Allele origin: germline.
Comment: For these reasons, this variant has been classified as Pathogenic. Loss-of-function variants in PTCH1 are known to be pathogenic (PMID: 16301862, 16419085). Algorithms developed to predict the effect of sequence changes on RNA splicing suggest that this variant may create or strengthen a splice site, but this prediction has not been confirmed by published transcriptional studies. This variant has not been reported in the literature in individuals with PTCH1-related conditions. This variant is not present in population databases (ExAC no frequency). This sequence change creates a premature translational stop signal (p.Ala151Valfs*4) in the PTCH1 gene. It is expected to result in an absent or disrupted protein product.

Literature cited by the submitters: PubMed 16301862; PubMed 16419085.

NM_000264.5(PTCH1):c.452_464del (p.Ala151fs)

Gene: PTCH1 (patched 1; minus strand). Cytogenetic location: 9q22.32.
Variant type: Deletion.
Coding change: c.452_464del on transcript NM_000264.5 (MANE Select); coding-DNA positions 452 to 464, 13 bases deleted (CTATGTTTAATCC).
Protein change: p.Ala151fs; shifts the reading frame from alanine 151.
Molecular consequence: frameshift variant. On other transcripts: initiator codon variant (4), non-coding transcript variant (1).
Genome position (GRCh38, 1-based): chr9:95,485,805-95,485,817, GGATTAAACATAG deleted on the plus strand (CTATGTTTAATCC on the coding strand, the reverse complement: PTCH1 is on the minus strand). VCF-style (leftmost placement, unchanged base first): chr9-95485804-AGGATTAAACATAG-A. GRCh37 (hg19) VCF-style: chr9-98248086-AGGATTAAACATAG-A.
Other names: c.254_266del, p.Ala85fs (NM_001083602.3, NM_001354919.2); c.449_461del, p.Ala150fs (NM_001083603.3); c.-2_11del, p.Met1fs (NM_001083604.3, NM_001083605.3, NM_001083606.3 and 1 more transcripts); c.452_464del, p.Ala151fs (NM_001354918.2); short protein forms A85fs, A150fs, A151fs, M1fs.
Identifiers: ClinVar variation 836837 (VCV000836837.11), dbSNP rs1841923572, ClinGen allele CA916081537.
Genomic context (GRCh38, chr9:95,485,804, plus strand): 5'-GAGCGCTTCTGTGGTCAGGACATTAGCACCTTCTTCTTTAGGGGTCTGTATCATGAGTTG[AGGATTAAACATAG>A]CCTCTTCTCCAATCTTCTGGCGAGTATAATTTAATTCACGACTTACTCGTCCTCCAACTG-3'